The following is an entry in ClinVar:

NM_001378778.1(MPDZ):c.5342G>A (p.Arg1781His)

Gene: MPDZ (multiple PDZ domain crumbs cell polarity complex component; minus strand). Cytogenetic location: 9p23.
Variant type: single nucleotide variant.
Coding change: c.5342G>A on transcript NM_001378778.1 (MANE Select); coding-DNA position 5342, G replaced by A.
Protein change: p.Arg1781His; replaces arginine 1781 with histidine.
Molecular consequence: missense variant.
Genome position (GRCh38, 1-based): chr9:13,119,539, C>T on the plus strand (G>A on the coding strand, the complement: MPDZ is on the minus strand). VCF-style: chr9-13119539-C-T. GRCh37 (hg19) VCF-style: chr9-13119538-C-T.
Other names: c.5342G>A (NM_003829.3); c.5243G>A, p.Arg1748His (NM_001261406.2, NM_001261407.2, NM_001375416.1 and 3 more transcripts); c.5342G>A, p.Arg1781His (NM_001330637.2, NM_003829.5); c.5441G>A, p.Arg1814His (NM_001375413.1); c.5132G>A, p.Arg1711His (NM_001375420.1, NM_001375421.1, NM_001375422.1 and 4 more transcripts); c.4934G>A, p.Arg1645His (NM_001375427.1); short protein forms R1781H, R1748H, R1645H, R1711H, R1814H.
Identifiers: ClinVar variation 450462 (VCV000450462.10), dbSNP rs200405913, ClinGen allele CA4986343.

ClinVar aggregate classification (germline): Conflicting classifications of pathogenicity. Review status: criteria provided, conflicting classifications (1 of 4 stars). 4 submissions from 4 submitters: Uncertain significance (3); Likely benign (1). Last evaluated 2025-06-03.

Conditions:
MPDZ-related disorder. Also called: MPDZ-related condition.
Inborn genetic diseases. Identifiers: MedGen C0950123, MeSH D030342.

Allele frequency attached by ClinVar (database versions not stated): ESP Exome Variant Server 0.00033; TOPMed 0.00033; ExAC 0.00014; gnomAD exomes 0.00017 and 0.00023; 1000 Genomes Project 0.00020; gnomAD 0.00025 and 0.00028; 1000 Genomes Project 30x 0.00031.
gnomAD v4.1: 374 of 1,613,184 alleles (0.023%); highest among the groups gnomAD compares: African/African-American, 0.059%; no homozygotes.

Submissions (4):

PreventionGenetics, part of Exact Sciences
Classification: Likely benign for MPDZ-related condition. Last evaluated: 2025-06-03. Review status: criteria provided, single submitter. Criteria: ACMG Guidelines, 2015. Collection method: clinical testing. Allele origin: germline.
Comment: This variant is classified as likely benign based on ACMG/AMP sequence variant interpretation guidelines (Richards et al. 2015 PMID: 25741868, with internal and published modifications).

GeneDx
Classification: Uncertain significance. Last evaluated: 2024-09-14. Review status: criteria provided, single submitter. Criteria: GeneDx Variant Classification Process June 2021. Collection method: clinical testing. Allele origin: germline. Affected: yes.
Comment: In silico analysis supports that this missense variant has a deleterious effect on protein structure/function; Has not been previously published as pathogenic or benign to our knowledge

Labcorp Genetics (formerly Invitae), Labcorp
Classification: Uncertain significance. Last evaluated: 2022-09-27. Review status: criteria provided, single submitter. Criteria: Invitae Variant Classification Sherloc (09022015). Collection method: clinical testing. Allele origin: germline.
Comment: This sequence change replaces arginine, which is basic and polar, with histidine, which is basic and polar, at codon 1781 of the MPDZ protein (p.Arg1781His). This variant is present in population databases (rs200405913, gnomAD 0.07%). This variant has not been reported in the literature in individuals affected with MPDZ-related conditions. ClinVar contains an entry for this variant (Variation ID: 450462). Algorithms developed to predict the effect of missense changes on protein structure and function are either unavailable or do not agree on the potential impact of this missense change (SIFT: "Deleterious"; PolyPhen-2: "Benign"; Align-GVGD: "Class C25"). In summary, the available evidence is currently insufficient to determine the role of this variant in disease. Therefore, it has been classified as a Variant of Uncertain Significance.

Ambry Genetics
Classification: Uncertain significance for Inborn genetic diseases. Last evaluated: 2021-06-25. Review status: criteria provided, single submitter. Criteria: Ambry Variant Classification Scheme 2023. Collection method: clinical testing. Allele origin: germline.